The following is an entry in ClinVar:

NM_001353345.2(SETD1B):c.1363_1364delinsTT (p.Pro455Leu)

Gene: SETD1B (SET domain containing 1B, histone lysine methyltransferase; plus strand). Cytogenetic location: 12q24.31.
Variant type: Indel.
Coding change: c.1363_1364delinsTT on transcript NM_001353345.2 (MANE Select); coding-DNA positions 1363 to 1364, CC replaced by TT.
Protein change: p.Pro455Leu; replaces proline 455 with leucine.
Molecular consequence: missense variant.
Genome position (GRCh38, 1-based): chr12:121,810,308-121,810,309, CC replaced by TT. VCF-style: chr12-121810308-CC-TT. GRCh37 (hg19) VCF-style: chr12-122248214-CC-TT.
Other names: short protein forms P455L.
Identifiers: ClinVar variation 3900493 (VCV003900493.1).

ClinVar aggregate classification (germline): Uncertain significance (1 of 4 stars; one submission).

Submission:

GeneDx
Classification: Uncertain significance. Last evaluated: 2024-11-22. Review status: criteria provided, single submitter. Criteria: GeneDx Variant Classification Process June 2021. Collection method: clinical testing. Allele origin: germline. Affected: yes.
Comment: Not observed at significant frequency in large population cohorts (gnomAD); In silico analysis supports a deleterious effect on protein structure/function; Has not been previously published as pathogenic or benign to our knowledge